The following is an entry in ClinVar:

ClinVar aggregate classification (germline): Benign (1 of 4 stars; one submission).

Allele frequency attached by ClinVar (database versions not stated): 1000 Genomes Project 0.00040; 1000 Genomes Project 30x 0.00078; gnomAD exomes 0.00114.
gnomAD v4.1: 426 of 398,482 alleles (0.11%); highest among the groups gnomAD compares: Non-Finnish European, 0.15%; no homozygotes.

Submission:

CeGaT Center for Human Genetics Tuebingen
Classification: Benign. Last evaluated: 2026-08-01. Review status: criteria provided, single submitter. Criteria: CeGaT Center For Human Genetics Tuebingen Variant Classification Criteria Version 2. Collection method: clinical testing. Allele origin: germline. Affected: yes. Observed: 8 variant alleles.
Comment: KCNQ1OT1: BS1, BS2

NM_000218.3(KCNQ1):c.1394-30966C>A

Genes: KCNQ1 (potassium voltage-gated channel subfamily Q member 1; plus strand), KCNQ1OT1 (KCNQ1 opposite strand/antisense transcript 1; minus strand). Cytogenetic location: 11p15.5.
Variant type: single nucleotide variant.
Coding change: c.1394-30966C>A on transcript NM_000218.3 (MANE Select); 30966 bases into the intron before coding-DNA position 1394, C replaced by A.
Molecular consequence: intron variant. On other transcripts: non-coding transcript variant (1).
Genome position (GRCh38, 1-based): chr11:2,630,995, C>A. VCF-style: chr11-2630995-C-A. GRCh37 (hg19) VCF-style: chr11-2652225-C-A.
Other names: c.1124-30966C>A (NM_001406837.1); c.1298-30966C>A (NM_001406836.1); c.854-30966C>A (NM_001406838.1); c.1013-30966C>A (NM_181798.2).
Identifiers: ClinVar variation 2641402 (VCV002641402.24), dbSNP rs191141051, ClinGen allele CA216145305.